The following is an entry in ClinVar:

ClinVar aggregate classification (germline): Pathogenic (1 of 4 stars; one submission).

Conditions:
Hereditary cancer-predisposing syndrome. Also called: Neoplastic Syndromes, Hereditary; Tumor predisposition; Hereditary neoplastic syndrome; Hereditary Cancer Syndrome. Identifiers: Orphanet 140162, MedGen C0027672, MeSH D009386, MONDO:0015356.

Submission:

Color Diagnostics, LLC DBA Color Health
Classification: Pathogenic for Hereditary cancer-predisposing syndrome. Last evaluated: 2020-02-16. Review status: criteria provided, single submitter. Criteria: ACMG Guidelines, 2015. Collection method: clinical testing. Allele origin: germline.
Comment: This variant inserts 1 nucleotide in exon 16 of the APC gene, creating a frameshift and premature translation stop signal. This variant is expected to result in an absent or non-functional protein product. To our knowledge, this variant has not been reported in individuals affected with hereditary cancer in the literature. This variant has not been identified in the general population by the Genome Aggregation Database (gnomAD). Loss of APC function is a known mechanism of disease. Based on the available evidence, this variant is classified as Pathogenic.

NM_000038.6(APC):c.2692_2693insT (p.His898fs)

Gene: APC (APC regulator of Wnt signaling pathway; plus strand). Cytogenetic location: 5q22.2.
Variant type: Insertion.
Coding change: c.2692_2693insT on transcript NM_000038.6 (MANE Select); coding-DNA positions 2692 to 2693, T inserted.
Protein change: p.His898fs; shifts the reading frame from histidine 898.
Molecular consequence: frameshift variant.
Genome position: GRCh38 VCF-style: chr5-112838286-C-CT. GRCh37 (hg19) VCF-style: chr5-112173983-C-CT.
Other names: c.2692_2693insT, p.His898fs (NM_001127510.3, NM_001354895.2); c.2638_2639insT, p.His880fs (NM_001127511.3); c.2746_2747insT, p.His916fs (NM_001354896.2); c.2722_2723insT, p.His908fs (NM_001354897.2); c.2617_2618insT, p.His873fs (NM_001354898.2); c.2608_2609insT, p.His870fs (NM_001354899.2); c.2569_2570insT, p.His857fs (NM_001354900.2); c.2515_2516insT, p.His839fs (NM_001354901.2); and 5 more; short protein forms H615fs, H857fs, H738fs, H797fs, H839fs, H870fs, H880fs, H898fs.
Identifiers: ClinVar variation 628314 (VCV000628314.4), dbSNP rs1561579040, ClinGen allele CA913188199.